The following is an entry in ClinVar:

ClinVar aggregate classification (germline): Conflicting classifications of pathogenicity. Review status: criteria provided, conflicting classifications (1 of 4 stars). 2 submissions from 2 submitters: Likely pathogenic (1); Uncertain significance (1). Last evaluated 2023-02-28.

Conditions:
Frontotemporal dementia (FTD1). Also called: MULTIPLE SYSTEM TAUOPATHY WITH PRESENILE DEMENTIA; Frontotemporal lobe dementia (FLDEM); Dementia, frontotemporal, with or without parkinsonism; Frontotemporal Dementia with Parkinsonism-17 (FTDP-17); WILHELMSEN-LYNCH DISEASE; FRONTOTEMPORAL LOBAR DEGENERATION WITH TAU INCLUSIONS. Identifiers: Orphanet 282, MedGen C0338451, MONDO:0017276, OMIM 600274, HP:0002145.

Submissions (2):

Labcorp Genetics (formerly Invitae), Labcorp
Classification: Uncertain significance. Last evaluated: 2023-02-28. Review status: criteria provided, single submitter. Criteria: Invitae Variant Classification Sherloc (09022015). Collection method: clinical testing. Allele origin: germline.
Comment: In summary, the available evidence is currently insufficient to determine the role of this variant in disease. Therefore, it has been classified as a Variant of Uncertain Significance. Advanced modeling of protein sequence and biophysical properties (such as structural, functional, and spatial information, amino acid conservation, physicochemical variation, residue mobility, and thermodynamic stability) has been performed at Invitae for this missense variant, however the output from this modeling did not meet the statistical confidence thresholds required to predict the impact of this variant on CSF1R protein function. ClinVar contains an entry for this variant (Variation ID: 870541). This missense change has been observed in individual(s) with clinical features of CSF1R-related conditions (PMID: 26476772, 31836585). This variant is not present in population databases (gnomAD no frequency). This sequence change replaces arginine, which is basic and polar, with lysine, which is basic and polar, at codon 900 of the CSF1R protein (p.Arg900Lys).

HudsonAlpha Institute for Biotechnology
Classification: Likely pathogenic for Frontotemporal dementia. Last evaluated: 2019-10-28. Review status: criteria provided, single submitter. Criteria: ACMG Guidelines, 2015. Collection method: research. Allele origin: unknown. Affected: yes.

Literature cited by the submitters: PubMed 26476772 (cited by Labcorp Genetics (formerly Invitae), Labcorp); PubMed 31836585 (cited by Labcorp Genetics (formerly Invitae), Labcorp).

NM_001288705.3(CSF1R):c.2699G>A (p.Arg900Lys)

Gene: CSF1R (colony stimulating factor 1 receptor; minus strand). Cytogenetic location: 5q32.
Variant type: single nucleotide variant.
Coding change: c.2699G>A on transcript NM_001288705.3 (MANE Select); coding-DNA position 2699, G replaced by A.
Protein change: p.Arg900Lys; replaces arginine 900 with lysine.
Molecular consequence: missense variant. On other transcripts: non-coding transcript variant (2).
Genome position (GRCh38, 1-based): chr5:150,054,386, C>T on the plus strand (G>A on the coding strand, the complement: CSF1R is on the minus strand). VCF-style: chr5-150054386-C-T. GRCh37 (hg19) VCF-style: chr5-149433949-C-T.
Other names: c.2699G>A, p.Arg900Lys (NM_001349736.2, NM_001375320.1, NM_005211.4); c.2255G>A, p.Arg752Lys (NM_001375321.1); short protein forms R752K, R900K.
Identifiers: ClinVar variation 870541 (VCV000870541.4), dbSNP rs1757092904, ClinGen allele CA361757210.